The following is an entry in ClinVar:

NM_020822.3(KCNT1):c.928G>A (p.Val310Ile)

Gene: KCNT1 (potassium sodium-activated channel subfamily T member 1; plus strand). Cytogenetic location: 9q34.3.
Variant type: single nucleotide variant.
Coding change: c.928G>A on transcript NM_020822.3 (MANE Select); coding-DNA position 928, G replaced by A.
Protein change: p.Val310Ile; replaces valine 310 with isoleucine.
Molecular consequence: missense variant.
Genome position (GRCh38, 1-based): chr9:135,759,752, G>A. VCF-style: chr9-135759752-G-A. GRCh37 (hg19) VCF-style: chr9-138651598-G-A.
Other names: c.793G>A, p.Val265Ile (NM_001272003.2); short protein forms V310I, V265I.
Identifiers: ClinVar variation 288781 (VCV000288781.18), dbSNP rs149436191, ClinGen allele CA10606221.

ClinVar aggregate classification (germline): Uncertain significance. Review status: criteria provided, multiple submitters, no conflicts (2 of 4 stars). 5 submissions from 4 submitters: Uncertain significance (5). Last evaluated 2025-10-02.

Conditions:
Developmental and epileptic encephalopathy, 14 (DEE14). Also called: Early infantile epileptic encephalopathy 14. Identifiers: Orphanet 293181, MedGen C3554195, MONDO:0013989, OMIM 614959.
Autosomal dominant nocturnal frontal lobe epilepsy 5. Also called: KCNT1-Related Epilepsy; Epilepsy, nocturnal frontal lobe, 5; CILIARY DYSKINESIA, PRIMARY, 28, WITHOUT SITUS INVERSUS; CILIARY DYSKINESIA, PRIMARY, 28, WITH SITUS INVERSUS. Identifiers: Orphanet 98784, MedGen C3554306, MONDO:0014002, OMIM 615005.

Allele frequency attached by ClinVar (database versions not stated): gnomAD 0.00001; gnomAD exomes 0.00001; TOPMed 0.00001; ESP Exome Variant Server 0.00008.

Submissions (5):

Labcorp Genetics (formerly Invitae), Labcorp
Classification: Uncertain significance for Autosomal dominant nocturnal frontal lobe epilepsy 5; Developmental and epileptic encephalopathy, 14. Last evaluated: 2025-10-02. Review status: criteria provided, single submitter. Criteria: Invitae Variant Classification Sherloc (09022015). Collection method: clinical testing. Allele origin: germline.
Comment: This sequence change replaces valine, which is neutral and non-polar, with isoleucine, which is neutral and non-polar, at codon 310 of the KCNT1 protein (p.Val310Ile). The frequency data for this variant in the population databases is considered unreliable, as metrics indicate poor data quality at this position in the gnomAD database. This variant has not been reported in the literature in individuals affected with KCNT1-related conditions. ClinVar contains an entry for this variant (Variation ID: 288781). Invitae Evidence Modeling of protein sequence and biophysical properties (such as structural, functional, and spatial information, amino acid conservation, physicochemical variation, residue mobility, and thermodynamic stability) has been performed for this missense variant. However, the output from this modeling did not meet the statistical confidence thresholds required to predict the impact of this variant on KCNT1 protein function. In summary, the available evidence is currently insufficient to determine the role of this variant in disease. Therefore, it has been classified as a Variant of Uncertain Significance.

Revvity Omics, Revvity
Classification: Uncertain significance. Last evaluated: 2023-06-21. Review status: criteria provided, single submitter. Criteria: ACMG Guidelines, 2015. Collection method: clinical testing. Allele origin: germline.

Genome-Nilou Lab
Classification: Uncertain significance for Developmental and epileptic encephalopathy, 14. Last evaluated: 2022-03-15. Review status: criteria provided, single submitter. Criteria: ACMG Guidelines, 2015. Collection method: clinical testing. Allele origin: germline. Affected: no.

Genome-Nilou Lab
Classification: Uncertain significance for Autosomal dominant nocturnal frontal lobe epilepsy 5. Last evaluated: 2022-03-15. Review status: criteria provided, single submitter. Criteria: ACMG Guidelines, 2015. Collection method: clinical testing. Allele origin: germline. Affected: no.

Eurofins Ntd Llc (ga)
Classification: Uncertain significance. Last evaluated: 2016-07-12. Review status: criteria provided, single submitter. Criteria: EGL Classification Definitions 2015. Collection method: clinical testing. Allele origin: germline. Observed: 1 variant allele, 1 heterozygote.